The following is an entry in ClinVar:

NM_003924.4(PHOX2B):c.277A>T (p.Asn93Tyr)

Gene: PHOX2B (paired like homeobox 2B; minus strand). Cytogenetic location: 4p13.
Variant type: single nucleotide variant.
Coding change: c.277A>T on transcript NM_003924.4 (MANE Select); coding-DNA position 277, A replaced by T.
Protein change: p.Asn93Tyr; replaces asparagine 93 with tyrosine.
Molecular consequence: missense variant.
Genome position (GRCh38, 1-based): chr4:41,747,501, T>A on the plus strand (A>T on the coding strand, the complement: PHOX2B is on the minus strand). VCF-style: chr4-41747501-T-A. GRCh37 (hg19) VCF-style: chr4-41749518-T-A.
Other names: short protein forms N93Y.
Identifiers: ClinVar variation 3888489 (VCV003888489.1).
Genomic context (GRCh38, chr4:41,747,501, plus strand): 5'-GCTCTTTGAGCTGGGCACTGGTGAAAGTGGTGCGGATGCGCCGCTGCTTGCGCTTCTCGT[T>A]GAGGCCGCCGTGGTCCGTGAAGAGTTTGTAAGGAACTAGAGTATGACAGAGGAGACAGAA-3'
Protein context (NP_003915.2, residues 83-103): YKLFTDHGGL[Asn93Tyr]EKRKQRRIRT

ClinVar aggregate classification (germline): Uncertain significance (1 of 4 stars; one submission).

Conditions:
Hereditary cancer-predisposing syndrome. Also called: Tumor predisposition; Neoplastic Syndromes, Hereditary; Hereditary Cancer Syndrome; Hereditary neoplastic syndrome. Identifiers: Orphanet 140162, MedGen C0027672, MeSH D009386, MONDO:0015356.

Submission:

Ambry Genetics
Classification: Uncertain significance for Hereditary cancer-predisposing syndrome. Last evaluated: 2025-01-07. Review status: criteria provided, single submitter. Criteria: Ambry Variant Classification Scheme 2023. Collection method: clinical testing. Allele origin: germline.
Comment: The p.N93Y variant (also known as c.277A>T), located in coding exon 2 of the PHOX2B gene, results from an A to T substitution at nucleotide position 277. The asparagine at codon 93 is replaced by tyrosine, an amino acid with dissimilar properties. This amino acid position is highly conserved in available vertebrate species. In addition, this alteration is predicted to be deleterious by in silico analysis. Based on the available evidence, the clinical significance of this variant remains unclear.